The following is an entry in ClinVar:

NM_001709.5(BDNF):c.5C>A (p.Thr2Asn)

Genes: BDNF (brain derived neurotrophic factor; minus strand), BDNF-AS (BDNF antisense RNA; plus strand). Cytogenetic location: 11p14.1.
Variant type: single nucleotide variant.
Coding change: c.5C>A on transcript NM_001709.5 (MANE Select); coding-DNA position 5, C replaced by A.
Protein change: p.Thr2Asn; replaces threonine 2 with asparagine.
Molecular consequence: missense variant.
Genome position (GRCh38, 1-based): chr11:27,658,560, G>T on the plus strand (C>A on the coding strand, the complement: BDNF is on the minus strand). VCF-style: chr11-27658560-G-T. GRCh37 (hg19) VCF-style: chr11-27680107-G-T.
Other names: c.5C>A, p.Thr2Asn (NM_001143805.1, NM_001143806.1, NM_001143807.2 and 9 more transcripts); c.92C>A, p.Thr31Asn (NM_001143809.2); c.251C>A, p.Thr84Asn (NM_001143810.2); c.29C>A, p.Thr10Asn (NM_170731.5); c.50C>A, p.Thr17Asn (NM_170734.4); short protein forms T10N, T17N, T2N, T31N, T84N.
Identifiers: ClinVar variation 2631517 (VCV002631517.3), dbSNP rs8192466, ClinGen allele CA5929149.

ClinVar aggregate classification (germline): Uncertain significance. Review status: criteria provided, single submitter (1 of 4 stars). 2 submissions from 2 submitters: Uncertain significance (1). 1 of the submissions does not count toward it. Last evaluated 2025-12-18.

Conditions:
BDNF-related disorder. Also called: BDNF-related condition.

gnomAD v4.1: 376 of 1,614,064 alleles (0.023%); highest among the groups gnomAD compares: South Asian, 0.041%; no homozygotes.

Submissions (2):

Labcorp Genetics (formerly Invitae), Labcorp
Classification: Uncertain significance. Last evaluated: 2025-12-18. Review status: criteria provided, single submitter. Criteria: Invitae Variant Classification Sherloc (09022015). Collection method: clinical testing. Allele origin: germline.
Comment: This sequence change replaces threonine, which is neutral and polar, with asparagine, which is neutral and polar, at codon 2 of the BDNF protein (p.Thr2Asn). This variant is present in population databases (rs8192466, gnomAD 0.03%). This variant has not been reported in the literature in individuals affected with BDNF-related conditions. ClinVar contains an entry for this variant (Variation ID: 2631517). An algorithm developed to predict the effect of missense changes on protein structure and function (PolyPhen-2) suggests that this variant is likely to be tolerated. In summary, the available evidence is currently insufficient to determine the role of this variant in disease. Therefore, it has been classified as a Variant of Uncertain Significance.

PreventionGenetics, part of Exact Sciences
Classification: Uncertain significance for BDNF-related condition. Last evaluated: 2024-08-28. Review status: no assertion criteria provided. Collection method: clinical testing. Allele origin: germline. Not counted in ClinVar's aggregate classification.
Comment: The BDNF c.251C>A variant is predicted to result in the amino acid substitution p.Thr84Asn. To our knowledge, this variant has not been reported in the literature. This variant is reported in 0.033% of alleles in individuals of South Asian descent in gnomAD, which is higher than expected for a pathogenic variant in this gene. An alternate change at the same amino acid position was initially documented in association with central hypoventilation syndrome (p.Thr84Ile, documented in the literature on an alternate transcript – NM_001709.5 p.Thr2Ile; Weese-Mayer et al. 2002. PubMed ID: 11840487; Friedel et al. 2005. PubMed ID: 15457498). However, it has an even higher allele frequency than the p.Thr84Asn change, and its pathogenicity was called into question by multiple later reports (Abouelhoda et al. 2016. PubMed ID: 27884173; Rego et al. 2018. PubMed ID: 30487145). Although we suspect that the c.251C>A (p.Thr84Asn) variant may be benign, at this time, the clinical significance of this variant is uncertain due to the absence of conclusive functional and genetic evidence.